The following is an entry in ClinVar:

NM_006031.6(PCNT):c.6150+8G>A

Gene: PCNT (pericentrin; plus strand). Cytogenetic location: 21q22.3.
Variant type: single nucleotide variant.
Coding change: c.6150+8G>A on transcript NM_006031.6 (MANE Select); 8 bases into the intron after coding-DNA position 6150, G replaced by A.
Molecular consequence: intron variant.
Genome position (GRCh38, 1-based): chr21:46,413,000, G>A. VCF-style: chr21-46413000-G-A. GRCh37 (hg19) VCF-style: chr21-47832914-G-A.
Other names: c.6150+8G>A (NM_006031.5); c.5796+8G>A (NM_001315529.2).
Identifiers: ClinVar variation 1582104 (VCV001582104.9), dbSNP rs894234623, ClinGen allele CA321998471.

ClinVar aggregate classification (germline): Likely benign. Review status: criteria provided, single submitter (1 of 4 stars). 2 submissions from 2 submitters: Likely benign (1). 1 of the submissions does not count toward it. Last evaluated 2025-08-27.

Conditions:
PCNT-related disorder. Also called: PCNT-related condition.

Allele frequency attached by ClinVar (database versions not stated): gnomAD exomes 0.00001; gnomAD 0.00005 and 0.00006.

Submissions (2):

Labcorp Genetics (formerly Invitae), Labcorp
Classification: Likely benign. Last evaluated: 2025-08-27. Review status: criteria provided, single submitter. Criteria: Invitae Variant Classification Sherloc (09022015). Collection method: clinical testing. Allele origin: germline.

PreventionGenetics, part of Exact Sciences
Classification: Likely benign for PCNT-related condition. Last evaluated: 2023-07-13. Review status: no assertion criteria provided. Collection method: clinical testing. Allele origin: germline. Not counted in ClinVar's aggregate classification.
Comment: This variant is classified as likely benign based on ACMG/AMP sequence variant interpretation guidelines (Richards et al. 2015 PMID: 25741868, with internal and published modifications).